The following is an entry in ClinVar:

NM_020750.3(XPO5):c.54G>C (p.Thr18=)

Gene: XPO5 (exportin 5; minus strand). Cytogenetic location: 6p21.1.
Variant type: single nucleotide variant.
Coding change: c.54G>C on transcript NM_020750.3 (MANE Select); coding-DNA position 54, G replaced by C.
Protein change: p.Thr18=; no amino-acid change (threonine 18 retained).
Molecular consequence: synonymous variant. On other transcripts: non-coding transcript variant (1).
Genome position (GRCh38, 1-based): chr6:43,575,811, C>G on the plus strand (G>C on the coding strand, the complement: XPO5 is on the minus strand). VCF-style: chr6-43575811-C-G. GRCh37 (hg19) VCF-style: chr6-43543548-C-G.
Identifiers: ClinVar variation 2967622 (VCV002967622.5), dbSNP rs530521285, ClinGen allele CA3826822.

ClinVar aggregate classification (germline): Likely benign. Review status: criteria provided, single submitter (1 of 4 stars). 2 submissions from 2 submitters: Likely benign (1). 1 of the submissions does not count toward it. Last evaluated 2025-12-15.

Conditions:
XPO5-related disorder. Also called: XPO5-related condition.

Allele frequency attached by ClinVar (database versions not stated): ExAC 0.00007; 1000 Genomes Project 30x 0.00047; TOPMed 0.00002; 1000 Genomes Project 0.00040; gnomAD 0.00007.
gnomAD v4.1: 56 of 1,613,854 alleles (0.0035%); highest among the groups gnomAD compares: East Asian, 0.042%; no homozygotes.

Submissions (2):

Labcorp Genetics (formerly Invitae), Labcorp
Classification: Likely benign. Last evaluated: 2025-12-15. Review status: criteria provided, single submitter. Criteria: Invitae Variant Classification Sherloc (09022015). Collection method: clinical testing. Allele origin: germline.

PreventionGenetics, part of Exact Sciences
Classification: Likely benign for XPO5-related condition. Last evaluated: 2022-12-21. Review status: no assertion criteria provided. Collection method: clinical testing. Allele origin: germline. Not counted in ClinVar's aggregate classification.
Comment: This variant is classified as likely benign based on ACMG/AMP sequence variant interpretation guidelines (Richards et al. 2015 PMID: 25741868, with internal and published modifications).